The following is an entry in ClinVar:

ClinVar aggregate classification (germline): Uncertain significance (1 of 4 stars; one submission).

Conditions:
Cardiovascular phenotype. Identifiers: MedGen CN230736.

gnomAD v4.1: 6 of 1,299,382 alleles (0.00046%); highest among the groups gnomAD compares: African/African-American, 0.0016%; no homozygotes.

Submission:

Ambry Genetics
Classification: Uncertain significance for Cardiovascular phenotype. Last evaluated: 2025-02-09. Review status: criteria provided, single submitter. Criteria: Ambry Variant Classification Scheme 2023. Collection method: clinical testing. Allele origin: germline.
Comment: The p.G196R variant (also known as c.586G>C), located in coding exon 1 of the FOXE3 gene, results from a G to C substitution at nucleotide position 586. The glycine at codon 196 is replaced by arginine, an amino acid with dissimilar properties. This amino acid position is conserved. In addition, this alteration is predicted to be tolerated by in silico analysis. Based on the available evidence, the clinical significance of this variant remains unclear.

NM_012186.3(FOXE3):c.586G>C (p.Gly196Arg)

Genes: FOXE3 (forkhead box E3; plus strand), LINC01389 (long intergenic non-protein coding RNA 1389; minus strand). Cytogenetic location: 1p33.
Variant type: single nucleotide variant.
Coding change: c.586G>C on transcript NM_012186.3 (MANE Select); coding-DNA position 586, G replaced by C.
Protein change: p.Gly196Arg; replaces glycine 196 with arginine.
Molecular consequence: missense variant.
Genome position (GRCh38, 1-based): chr1:47,416,901, G>C. VCF-style: chr1-47416901-G-C. GRCh37 (hg19) VCF-style: chr1-47882573-G-C.
Other names: short protein forms G196R.
Identifiers: ClinVar variation 3851314 (VCV003851314.1).